The following is an entry in ClinVar:

ClinVar aggregate classification (germline): Likely benign. Review status: criteria provided, multiple submitters, no conflicts (2 of 4 stars). 2 submissions from 2 submitters: Likely benign (2). Last evaluated 2018-06-19.

Allele frequency attached by ClinVar (database versions not stated): 1000 Genomes Project 0.00839; 1000 Genomes Project 30x 0.00859; TOPMed 0.01370; gnomAD 0.01474 and 0.01477.
gnomAD v4.1: 2,261 of 152,226 alleles (1.5%); highest among the groups gnomAD compares: Middle Eastern, 3.1%; 28 homozygotes.

Submissions (2):

GeneDx
Classification: Likely benign. Last evaluated: 2018-06-19. Review status: criteria provided, single submitter. Criteria: GeneDx Variant Classification (06012015). Collection method: clinical testing. Allele origin: germline. Affected: yes.
Comment: This variant is considered likely benign or benign based on one or more of the following criteria: it is a conservative change, it occurs at a poorly conserved position in the protein, it is predicted to be benign by multiple in silico algorithms, and/or has population frequency not consistent with disease.

Breakthrough Genomics
Classification: Likely benign. Review status: criteria provided, single submitter. Criteria: ACMG Guidelines, 2015. Collection method: not provided. Allele origin: germline. Inheritance: Autosomal dominant inheritance. Affected: yes.

NM_004519.4(KCNQ3):c.1568+212G>A

Gene: KCNQ3 (potassium voltage-gated channel subfamily Q member 3; minus strand). Cytogenetic location: 8q24.22.
Variant type: single nucleotide variant.
Coding change: c.1568+212G>A on transcript NM_004519.4 (MANE Select); 212 bases into the intron after coding-DNA position 1568, G replaced by A.
Molecular consequence: intron variant.
Genome position (GRCh38, 1-based): chr8:132,139,864, C>T on the plus strand (G>A on the coding strand, the complement: KCNQ3 is on the minus strand). VCF-style: chr8-132139864-C-T. GRCh37 (hg19) VCF-style: chr8-133152111-C-T.
Other names: c.1208+212G>A (NM_001204824.2).
Identifiers: ClinVar variation 670601 (VCV000670601.2), dbSNP rs143838523, ClinGen allele CA185432528.